The following is an entry in ClinVar:

NM_001081.4(CUBN):c.9005A>G (p.Glu3002Gly)

Gene: CUBN (cubilin; minus strand). Cytogenetic location: 10p13.
Variant type: single nucleotide variant.
Coding change: c.9005A>G on transcript NM_001081.4 (MANE Select); coding-DNA position 9005, A replaced by G.
Protein change: p.Glu3002Gly; replaces glutamic acid 3002 with glycine.
Molecular consequence: missense variant.
Genome position (GRCh38, 1-based): chr10:16,876,998, T>C on the plus strand (A>G on the coding strand, the complement: CUBN is on the minus strand). VCF-style: chr10-16876998-T-C. GRCh37 (hg19) VCF-style: chr10-16918997-T-C.
Other names: short protein forms E3002G.
Identifiers: ClinVar variation 299388 (VCV000299388.19), dbSNP rs1801240, ClinGen allele CA5422837.

ClinVar aggregate classification (germline): Benign. Review status: criteria provided, multiple submitters, no conflicts (2 of 4 stars). 6 submissions from 6 submitters: Benign (6). Last evaluated 2026-02-04.

Conditions:
Imerslund-Grasbeck syndrome type 1 (IGS1). Also called: Megaloblastic anemia 1, Finnish type; MEGALOBLASTIC ANEMIA, 1; Imerslund-Gräsbeck syndrome 1. Identifiers: MedGen C4016819, MONDO:0100156, OMIM 261100.
Imerslund-Grasbeck syndrome. Also called: ENTEROCYTE COBALAMIN MALABSORPTION; ENTEROCYTE INTRINSIC FACTOR RECEPTOR, DEFECT OF; Imerslund-Gräsbeck syndrome; PERNICIOUS ANEMIA, JUVENILE, DUE TO SELECTIVE INTESTINAL MALABSORPTION OF VITAMIN B12, WITH PROTEINURIA; Megaloblastic anemia due to inborn errors of metabolism. Identifiers: Orphanet 35858, MedGen C4551825, MONDO:0009853.

Allele frequency attached by ClinVar (database versions not stated): gnomAD exomes 0.10373 and 0.10501; ExAC 0.10753; 1000 Genomes Project 0.11701; 1000 Genomes Project 30x 0.11821; gnomAD 0.12902 and 0.13166; TOPMed 0.13397; ESP Exome Variant Server 0.13847.
gnomAD v4.1: 173,364 of 1,613,950 alleles (11%); highest among the groups gnomAD compares: African/African-American, 21%; 10,219 homozygotes.

Submissions (6):

Labcorp Genetics (formerly Invitae), Labcorp
Classification: Benign for Imerslund-Grasbeck syndrome. Last evaluated: 2026-02-04. Review status: criteria provided, single submitter. Criteria: Invitae Variant Classification Sherloc (09022015). Collection method: clinical testing. Allele origin: germline.

Blueprint Genetics
Classification: Benign. Last evaluated: 2024-11-27. Review status: criteria provided, single submitter. Criteria: ACMG Guidelines, 2015. Collection method: clinical testing. Allele origin: germline.

Mayo Clinic Laboratories, Mayo Clinic
Classification: Benign. Last evaluated: 2022-03-09. Review status: criteria provided, single submitter. Criteria: ACMG Guidelines, 2015. Collection method: clinical testing. Allele origin: germline. Observed: 50 variant alleles.

GeneDx
Classification: Benign. Last evaluated: 2018-09-07. Review status: criteria provided, single submitter. Criteria: GeneDx Variant Classification Process June 2021. Collection method: clinical testing. Allele origin: germline. Affected: yes.

Illumina Laboratory Services, Illumina
Classification: Benign for Imerslund-Grasbeck syndrome type 1. Last evaluated: 2018-01-12. Review status: criteria provided, single submitter. Criteria: ICSL Variant Classification Criteria 13 December 2019. Collection method: clinical testing. Allele origin: germline.
Comment: This variant was observed in the ICSL laboratory as part of a predisposition screen in an ostensibly healthy population. It had not been previously curated by ICSL or reported in the Human Gene Mutation Database (HGMD: prior to June 1st, 2018), and was therefore a candidate for classification through an automated scoring system. Utilizing variant allele frequency, disease prevalence and penetrance estimates, and inheritance mode, an automated score was calculated to assess if this variant is too frequent to cause the disease. Based on the score and internal cut-off values, a variant classified as benign is not then subjected to further curation. The score for this variant resulted in a classification of benign for this disease.

Breakthrough Genomics
Classification: Benign. Review status: criteria provided, single submitter. Criteria: ACMG Guidelines, 2015. Collection method: not provided. Allele origin: germline. Inheritance: Autosomal recessive inheritance. Affected: yes.